The following is an entry in ClinVar:

ClinVar aggregate classification (germline): Uncertain significance (1 of 4 stars; one submission).

Conditions:
Cardiovascular phenotype. Identifiers: MedGen CN230736.

Allele frequency attached by ClinVar (database versions not stated): gnomAD 0.00001; TOPMed 0.00001.
gnomAD v4.1: 3 of 1,612,520 alleles (0.00019%); highest among the groups gnomAD compares: African/African-American, 0.004%; no homozygotes.

Submission:

Ambry Genetics
Classification: Uncertain significance for Cardiovascular phenotype. Last evaluated: 2023-10-10. Review status: criteria provided, single submitter. Criteria: Ambry Variant Classification Scheme 2023. Collection method: clinical testing. Allele origin: germline.
Comment: The p.R659L variant (also known as c.1976G>T), located in coding exon 2 of the TNXB gene, results from a G to T substitution at nucleotide position 1976. The arginine at codon 659 is replaced by leucine, an amino acid with dissimilar properties. This amino acid position is conserved. In addition, this alteration is predicted to be tolerated by in silico analysis. Since supporting evidence is limited at this time, the clinical significance of this alteration remains unclear.

NM_001365276.2(TNXB):c.1976G>T (p.Arg659Leu)

Gene: TNXB (tenascin XB; minus strand). Cytogenetic location: 6p21.33.
Variant type: single nucleotide variant.
Coding change: c.1976G>T on transcript NM_001365276.2 (MANE Select); coding-DNA position 1976, G replaced by T.
Protein change: p.Arg659Leu; replaces arginine 659 with leucine.
Molecular consequence: missense variant.
Genome position (GRCh38, 1-based): chr6:32,095,877, C>A on the plus strand (G>T on the coding strand, the complement: TNXB is on the minus strand). VCF-style: chr6-32095877-C-A. GRCh37 (hg19) VCF-style: chr6-32063654-C-A.
Other names: c.1976G>T, p.Arg659Leu (NM_019105.8); short protein forms R659L.
Identifiers: ClinVar variation 1783720 (VCV001783720.2), dbSNP rs781597053, ClinGen allele CA3735578.